The following is an entry in ClinVar:

ClinVar aggregate classification (germline): Uncertain significance (1 of 4 stars; one submission).

Submission:

Women's Health and Genetics/Laboratory Corporation of America, LabCorp
Classification: Uncertain significance. Last evaluated: 2023-06-27. Review status: criteria provided, single submitter. Criteria: LabCorp Variant Classification Summary - May 2015. Collection method: clinical testing. Allele origin: germline.
Comment: Variant summary: CHD8 c.7317delG (p.Ser2440LeufsX37) results in a premature termination codon, predicted to cause a truncation of the encoded protein, and is not expected to result in nonsense mediated decay. The variant was absent in 219476 control chromosomes. The available data on variant occurrences in the general population are insufficient to allow any conclusion about variant significance. To our knowledge, no occurrence of c.7317delG in individuals affected with CHD8-Related Disorders and no experimental evidence demonstrating its impact on protein function have been reported. No submitters have cited clinical-significance assessments for this variant to ClinVar after 2014. Based on the evidence outlined above, the variant was classified as uncertain significance.

NM_001170629.2(CHD8):c.7317del (p.Ser2440fs)

Gene: CHD8 (chromodomain helicase DNA binding protein 8; minus strand). Cytogenetic location: 14q11.2.
Variant type: Deletion.
Coding change: c.7317del on transcript NM_001170629.2 (MANE Select); coding-DNA position 7317, one base deleted (G; older notation c.7317delG).
Protein change: p.Ser2440fs; shifts the reading frame from serine 2440.
Molecular consequence: frameshift variant.
Genome position (GRCh38, 1-based): chr14:21,386,042, C deleted on the plus strand (G on the coding strand, the reverse complement: CHD8 is on the minus strand); the first of 3 consecutive C bases (chr14:21,386,042-21,386,044); deleting any one gives the same sequence. VCF-style (leftmost placement, unchanged base first): chr14-21386041-AC-A. GRCh37 (hg19) VCF-style: chr14-21854200-AC-A.
Other names: c.6480del, p.Ser2161fs (NM_020920.4); short protein forms S2161fs, S2440fs.
Identifiers: ClinVar variation 2573461 (VCV002573461.1), dbSNP rs2501813738, ClinGen allele CA2580616552.